The following is an entry in ClinVar:

ClinVar aggregate classification (germline): Uncertain significance. Review status: criteria provided, multiple submitters, no conflicts (2 of 4 stars). 2 submissions from 2 submitters: Uncertain significance (2). Last evaluated 2022-03-02.

Conditions:
Hereditary cancer-predisposing syndrome. Also called: Hereditary neoplastic syndrome; Neoplastic Syndromes, Hereditary; Tumor predisposition; Hereditary Cancer Syndrome. Identifiers: Orphanet 140162, MedGen C0027672, MeSH D009386, MONDO:0015356.

Submissions (2):

Labcorp Genetics (formerly Invitae), Labcorp
Classification: Uncertain significance. Last evaluated: 2022-03-02. Review status: criteria provided, single submitter. Criteria: Invitae Variant Classification Sherloc (09022015). Collection method: clinical testing. Allele origin: germline.
Comment: This sequence change replaces arginine, which is basic and polar, with threonine, which is neutral and polar, at codon 1959 of the POLE protein (p.Arg1959Thr). This variant is not present in population databases (gnomAD no frequency). This variant has not been reported in the literature in individuals affected with POLE-related conditions. Algorithms developed to predict the effect of missense changes on protein structure and function (SIFT, PolyPhen-2, Align-GVGD) all suggest that this variant is likely to be tolerated. In summary, the available evidence is currently insufficient to determine the role of this variant in disease. Therefore, it has been classified as a Variant of Uncertain Significance.

Ambry Genetics
Classification: Uncertain significance for Hereditary cancer-predisposing syndrome. Last evaluated: 2022-01-07. Review status: criteria provided, single submitter. Criteria: Ambry Variant Classification Scheme 2023. Collection method: clinical testing. Allele origin: germline.
Comment: The p.R1959T variant (also known as c.5876G>C), located in coding exon 43 of the POLE gene, results from a G to C substitution at nucleotide position 5876. The arginine at codon 1959 is replaced by threonine, an amino acid with similar properties. This amino acid position is conserved. In addition, this alteration is predicted to be tolerated by in silico analysis. Since supporting evidence is limited at this time, the clinical significance of this alteration remains unclear.

NM_006231.4(POLE):c.5876G>C (p.Arg1959Thr)

Gene: POLE (DNA polymerase epsilon, catalytic subunit; minus strand). Cytogenetic location: 12q24.33.
Variant type: single nucleotide variant.
Coding change: c.5876G>C on transcript NM_006231.4 (MANE Select); coding-DNA position 5876, G replaced by C.
Protein change: p.Arg1959Thr; replaces arginine 1959 with threonine.
Molecular consequence: missense variant.
Genome position (GRCh38, 1-based): chr12:132,634,314, C>G on the plus strand (G>C on the coding strand, the complement: POLE is on the minus strand). VCF-style: chr12-132634314-C-G. GRCh37 (hg19) VCF-style: chr12-133210900-C-G.
Other names: short protein forms R1959T.
Identifiers: ClinVar variation 1512391 (VCV001512391.9), dbSNP rs1289908187, ClinGen allele CA387371692.